The following is an entry in ClinVar:

NM_020191.4(MRPS22):c.509G>A (p.Arg170His)

Gene: MRPS22 (mitochondrial ribosomal protein S22; plus strand). Cytogenetic location: 3q23.
Variant type: single nucleotide variant.
Coding change: c.509G>A on transcript NM_020191.4 (MANE Select); coding-DNA position 509, G replaced by A.
Protein change: p.Arg170His; replaces arginine 170 with histidine.
Molecular consequence: missense variant.
Genome position (GRCh38, 1-based): chr3:139,350,183, G>A. VCF-style: chr3-139350183-G-A. GRCh37 (hg19) VCF-style: chr3-139069025-G-A.
Other names: c.386G>A, p.Arg129His (NM_001363857.1); c.506G>A, p.Arg169His (NM_001363893.1); short protein forms R170H, R129H, R169H.
Identifiers: ClinVar variation 4753 (VCV000004753.12), dbSNP rs119478059, ClinGen allele CA117061.
Genomic context (GRCh38, chr3:139,350,183, plus strand): 5'-AGGAACTAAAAATACGTCCTCACAAACGCATCCTTGATTATGTTTTTCTATTTTAGGAGC[G>A]TTTTATTGTCGTCAGAGAACCAAGTGGCACACTACGCAAAGCCTCTTGGGAAGAACGGGA-3'
Protein context (NP_064576.1, residues 160-180): DISYSIPHRE[Arg170His]FIVVREPSGT

ClinVar aggregate classification (germline): Pathogenic/Likely pathogenic. Review status: criteria provided, multiple submitters, no conflicts (2 of 4 stars). 7 submissions from 7 submitters: Pathogenic (2); Likely pathogenic (4). 1 of the submissions does not count toward it. Last evaluated 2024-11-19.

Conditions:
MRPS22-related disorders.
MRPS22-related disorder. Also called: MRPS22-related condition.
Hypotonia with lactic acidemia and hyperammonemia. Identifiers: Orphanet 137908, MedGen C2673642, MONDO:0012718, OMIM 611719.
Ovarian dysgenesis 7. Identifiers: MedGen C4748263, MONDO:0020857, OMIM 618117.

Allele frequency attached by ClinVar (database versions not stated): ExAC 0.00006; gnomAD exomes 0.00008 and 0.00014; gnomAD 0.00012 and 0.00015; TOPMed 0.00014.
gnomAD v4.1: 234 of 1,613,936 alleles (0.014%); highest among the groups gnomAD compares: Non-Finnish European, 0.018%; no homozygotes.

Submissions (7):

PreventionGenetics, part of Exact Sciences
Classification: Likely pathogenic for MRPS22-related condition. Last evaluated: 2024-11-19. Review status: criteria provided, single submitter. Criteria: ACMG Guidelines, 2015. Collection method: clinical testing. Allele origin: germline.
Comment: The MRPS22 c.509G>A variant is predicted to result in the amino acid substitution p.Arg170His. This variant has been reported in the homozygous and compound heterozygous states in individuals with MRPS22-related mitochondrial disorders (Saada et al 2007. PubMed ID: 17873122; Stals et al. 2017. PubMed ID: 29096039). This variant is reported in 0.017% of alleles in individuals of European (Non-Finnish) descent in gnomAD. This variant is interpreted as likely pathogenic.

Blueprint Genetics
Classification: Pathogenic for MRPS22-related disorders. Last evaluated: 2024-04-24. Review status: criteria provided, single submitter. Criteria: ACMG Guidelines, 2015. Collection method: clinical testing. Allele origin: germline. Affected: yes. Observed: 5 variant alleles.

GeneDx
Classification: Likely pathogenic. Last evaluated: 2024-01-02. Review status: criteria provided, single submitter. Criteria: GeneDx Variant Classification Process June 2021. Collection method: clinical testing. Allele origin: germline. Affected: yes.
Comment: In silico analysis supports that this missense variant has a deleterious effect on protein structure/function; This variant is associated with the following publications: (PMID: 18539099, 29096039, 31683770, 17873122, 31589614, 33917098, 33314036, 37035737, 38012047)

Fulgent Genetics
Classification: Likely pathogenic for Hypotonia with lactic acidemia and hyperammonemia; Ovarian dysgenesis 7. Last evaluated: 2022-03-22. Review status: criteria provided, single submitter. Criteria: ACMG Guidelines, 2015. Collection method: clinical testing. Allele origin: unknown.

Labcorp Genetics (formerly Invitae), Labcorp
Classification: Pathogenic. Last evaluated: 2021-08-28. Review status: criteria provided, single submitter. Criteria: Invitae Variant Classification Sherloc (09022015). Collection method: clinical testing. Allele origin: germline.
Comment: This sequence change replaces arginine with histidine at codon 170 of the MRPS22 protein (p.Arg170His). The arginine residue is highly conserved and there is a small physicochemical difference between arginine and histidine. This variant is present in population databases (rs119478059, ExAC 0.01%). This missense change has been observed in individual(s) with MRPS22-related disease (PMID: 29096039; 17873122and29096039). In at least one individual the data is consistent with the variant being in trans (on the opposite chromosome) from a pathogenic variant. It has also been observed to segregate with disease in related individuals. ClinVar contains an entry for this variant (Variation ID: 4753). Algorithms developed to predict the effect of missense changes on protein structure and function are either unavailable or do not agree on the potential impact of this missense change (SIFT: "Deleterious"; PolyPhen-2: "Probably Damaging"; Align-GVGD: "Class C0"). Experimental studies have shown that this missense change affects MRPS22 function (PMID: 17873122, 18539099). For these reasons, this variant has been classified as Pathogenic.

Equipe Genetique des Anomalies du Developpement, Université de Bourgogne
Classification: Likely pathogenic for Hypotonia with lactic acidemia and hyperammonemia. Last evaluated: 2019-10-01. Review status: criteria provided, single submitter. Criteria: ACMG Guidelines, 2015. Collection method: clinical testing. Allele origin: maternal. Inheritance: Autosomal recessive inheritance. Affected: yes.
Comment: This variant was observed in compound heterozygosity with variant c.480_481insA

OMIM
Classification: Pathogenic for COMBINED OXIDATIVE PHOSPHORYLATION DEFICIENCY 5. Last evaluated: 2007-12-01. Review status: no assertion criteria provided. Collection method: literature only. Allele origin: germline. Not counted in ClinVar's aggregate classification.

Literature cited by the submitters: PubMed 29096039 (cited by Labcorp Genetics (formerly Invitae), Labcorp); PubMed 17873122 (cited by 3 submitters); PubMed 18539099 (cited by Labcorp Genetics (formerly Invitae), Labcorp).